The following is an entry in ClinVar:

ClinVar aggregate classification (germline): Uncertain significance (1 of 4 stars; one submission).

gnomAD v4.1: 8 of 1,613,220 alleles (0.0005%); highest among the groups gnomAD compares: African/African-American, 0.0013%; no homozygotes.

Submission:

Women's Health and Genetics/Laboratory Corporation of America, LabCorp
Classification: Uncertain significance. Last evaluated: 2025-11-07. Review status: criteria provided, single submitter. Criteria: LabCorp Variant Classification Summary - May 2015. Collection method: clinical testing. Allele origin: germline.
Comment: Variant summary: SEMA3A c.1838G>T (p.Arg613Leu) results in a non-conservative amino acid change in the encoded protein sequence. Algorithms developed to predict the effect of missense changes on protein structure and function are either unavailable or do not agree on the potential impact of this missense change. The variant allele was found at a frequency of 1.2e-05 in 250950 control chromosomes. The available data on variant occurrences in the general population are insufficient to allow any conclusion about variant significance. To our knowledge, no occurrence of c.1838G>T in individuals affected with SEMA3A-related conditions and no experimental evidence demonstrating its impact on protein function have been reported. No submitters have cited clinical-significance assessments for this variant to ClinVar. Based on the evidence outlined above, the variant was classified as uncertain significance.

NM_006080.3(SEMA3A):c.1838G>T (p.Arg613Leu)

Gene: SEMA3A (semaphorin 3A; minus strand). Cytogenetic location: 7q21.11.
Variant type: single nucleotide variant.
Coding change: c.1838G>T on transcript NM_006080.3 (MANE Select); coding-DNA position 1838, G replaced by T.
Protein change: p.Arg613Leu; replaces arginine 613 with leucine.
Molecular consequence: missense variant.
Genome position (GRCh38, 1-based): chr7:83,963,227, C>A on the plus strand (G>T on the coding strand, the complement: SEMA3A is on the minus strand). VCF-style: chr7-83963227-C-A. GRCh37 (hg19) VCF-style: chr7-83592543-C-A.
Other names: short protein forms R613L.
Identifiers: ClinVar variation 4536976 (VCV004536976.1).